The following is an entry in ClinVar:

NM_000548.5(TSC2):c.4275_4294del (p.Glu1426fs)

Gene: TSC2 (TSC complex subunit 2; plus strand). Cytogenetic location: 16p13.3.
Variant type: Deletion.
Coding change: c.4275_4294del on transcript NM_000548.5 (MANE Select); coding-DNA positions 4275 to 4294, 20 bases deleted (GGAAAGTGCTGCCTGGTCGG).
Protein change: p.Glu1426fs; shifts the reading frame from glutamic acid 1426.
Molecular consequence: frameshift variant.
Genome position (GRCh38, 1-based): chr16:2,084,497-2,084,516, GGAAAGTGCTGCCTGGTCGG deleted; deleting any 20 consecutive bases within chr16:2,084,494-2,084,516 gives the same sequence; the c. name uses the placement nearest the transcript's 3' end. VCF-style (leftmost placement, unchanged base first): chr16-2084493-ACGGGGAAAGTGCTGCCTGGT-A. GRCh37 (hg19) VCF-style: chr16-2134494-ACGGGGAAAGTGCTGCCTGGT-A.
Other names: c.4074_4093del, p.Glu1359fs (NM_001077183.3); c.4206_4225del, p.Glu1403fs (NM_001114382.3); c.3966_3985del, p.Glu1323fs (NM_001318827.2); c.3930_3949del, p.Glu1311fs (NM_001318829.2); c.3543_3562del, p.Glu1182fs (NM_001318831.2); c.4107_4126del, p.Glu1370fs (NM_001318832.2); c.4077_4096del, p.Glu1360fs (NM_001363528.2); c.4143_4162del, p.Glu1382fs (NM_001370404.1); and 26 more; short protein forms E1182fs, E1311fs, E1383fs, E1403fs, E1370fs, E1382fs, E1323fs, E1359fs.
Identifiers: ClinVar variation 1739284 (VCV001739284.2), dbSNP rs2544273997, ClinGen allele CA2580090935.

ClinVar aggregate classification (germline): Pathogenic (1 of 4 stars; one submission).

Conditions:
Hereditary cancer-predisposing syndrome. Also called: Hereditary Cancer Syndrome; Hereditary neoplastic syndrome; Neoplastic Syndromes, Hereditary; Tumor predisposition. Identifiers: Orphanet 140162, MedGen C0027672, MeSH D009386, MONDO:0015356.

Submission:

Ambry Genetics
Classification: Pathogenic for Hereditary cancer-predisposing syndrome. Last evaluated: 2019-07-23. Review status: criteria provided, single submitter. Criteria: Ambry Variant Classification Scheme 2023. Collection method: clinical testing. Allele origin: germline.
Comment: The c.4275_4294del20 pathogenic mutation, located in coding exon 33 of the TSC2 gene, results from a deletion of 20 nucleotides at nucleotide positions 4275 to 4294, causing a translational frameshift with a predicted alternate stop codon (p.E1426Lfs*91). This alteration is expected to result in loss of function by premature protein truncation or nonsense-mediated mRNA decay. As such, this alteration is interpreted as a disease-causing mutation.